The following is an entry in ClinVar:

ClinVar aggregate classification (germline): Uncertain significance (1 of 4 stars; one submission).

Submission:

GeneDx
Classification: Uncertain significance. Last evaluated: 2022-02-06. Review status: criteria provided, single submitter. Criteria: GeneDx Variant Classification Process June 2021. Collection method: clinical testing. Allele origin: germline. Affected: yes.
Comment: Not observed at significant frequency in large population cohorts (gnomAD); In silico analysis supports that this missense variant does not alter protein structure/function; Has not been previously published as pathogenic or benign to our knowledge

NM_003106.4(SOX2):c.461A>C (p.Asn154Thr)

Genes: SOX2 (SRY-box transcription factor 2; plus strand), SOX2-OT (SOX2 overlapping transcript; plus strand), LOC108281177 (SOX2 5' regulatory region; plus strand). Cytogenetic location: 3q26.33.
Variant type: single nucleotide variant.
Coding change: c.461A>C on transcript NM_003106.4 (MANE Select); coding-DNA position 461, A replaced by C.
Protein change: p.Asn154Thr; replaces asparagine 154 with threonine.
Molecular consequence: missense variant.
Genome position (GRCh38, 1-based): chr3:181,712,821, A>C. VCF-style: chr3-181712821-A-C. GRCh37 (hg19) VCF-style: chr3-181430609-A-C.
Other names: short protein forms N154T.
Identifiers: ClinVar variation 1700474 (VCV001700474.2), dbSNP rs2108522586, ClinGen allele CA355473917.